The following is an entry in ClinVar:

ClinVar aggregate classification (germline): Uncertain significance (1 of 4 stars; one submission).

Conditions:
Early-infantile DEE. Also called: Ohtahara syndrome; Early infantile epileptic encephalopathy with suppression bursts; Early infantile epileptic encephalopathy. Identifiers: Orphanet 1934, MedGen C0393706, MONDO:0800491.

Submission:

Labcorp Genetics (formerly Invitae), Labcorp
Classification: Uncertain significance for Early-infantile DEE. Last evaluated: 2023-11-03. Review status: criteria provided, single submitter. Criteria: Invitae Variant Classification Sherloc (09022015). Collection method: clinical testing. Allele origin: germline.
Comment: This sequence change replaces asparagine, which is neutral and polar, with serine, which is neutral and polar, at codon 811 of the SPTAN1 protein (p.Asn811Ser). This variant is not present in population databases (gnomAD no frequency). This variant has not been reported in the literature in individuals affected with SPTAN1-related conditions. Advanced modeling of protein sequence and biophysical properties (such as structural, functional, and spatial information, amino acid conservation, physicochemical variation, residue mobility, and thermodynamic stability) has been performed at Invitae for this missense variant, however the output from this modeling did not meet the statistical confidence thresholds required to predict the impact of this variant on SPTAN1 protein function. In summary, the available evidence is currently insufficient to determine the role of this variant in disease. Therefore, it has been classified as a Variant of Uncertain Significance.

NM_001130438.3(SPTAN1):c.2432A>G (p.Asn811Ser)

Gene: SPTAN1 (spectrin alpha, non-erythrocytic 1; plus strand). Cytogenetic location: 9q34.11.
Variant type: single nucleotide variant.
Coding change: c.2432A>G on transcript NM_001130438.3 (MANE Select); coding-DNA position 2432, A replaced by G.
Protein change: p.Asn811Ser; replaces asparagine 811 with serine.
Molecular consequence: missense variant.
Genome position (GRCh38, 1-based): chr9:128,584,520, A>G. VCF-style: chr9-128584520-A-G. GRCh37 (hg19) VCF-style: chr9-131346799-A-G.
Other names: c.2468A>G, p.Asn823Ser (NM_001375312.2, NM_001375318.1); c.2432A>G, p.Asn811Ser (NM_001375313.1, NM_001375314.2, NM_003127.4 and 5 more transcripts); short protein forms N811S, N823S.
Identifiers: ClinVar variation 2693002 (VCV002693002.3), dbSNP rs2541203825, ClinGen allele CA375057723.